The following is an entry in ClinVar:

ClinVar aggregate classification (germline): Uncertain significance. Review status: criteria provided, multiple submitters, no conflicts (2 of 4 stars). 4 submissions from 4 submitters: Uncertain significance (2). 2 of the submissions do not count toward it. Last evaluated 2024-10-25.

Conditions:
Hereditary cancer-predisposing syndrome. Also called: Tumor predisposition; Hereditary neoplastic syndrome; Neoplastic Syndromes, Hereditary; Hereditary Cancer Syndrome. Identifiers: Orphanet 140162, MedGen C0027672, MeSH D009386, MONDO:0015356.
PHOX2B-related disorder. Also called: PHOX2B-related condition.

Submissions (4):

Ambry Genetics
Classification: Uncertain significance for Hereditary cancer-predisposing syndrome. Last evaluated: 2024-10-25. Review status: criteria provided, single submitter. Criteria: Ambry Variant Classification Scheme 2023. Collection method: clinical testing. Allele origin: germline.
Comment: The p.R102C variant (also known as c.304C>T), located in coding exon 2 of the PHOX2B gene, results from a C to T substitution at nucleotide position 304. The arginine at codon 102 is replaced by cysteine, an amino acid with highly dissimilar properties. This amino acid position is highly conserved in available vertebrate species. In addition, this alteration is predicted to be deleterious by in silico analysis. Based on the available evidence, the clinical significance of this variant remains unclear.

PreventionGenetics, part of Exact Sciences
Classification: Uncertain significance for PHOX2B-related condition. Last evaluated: 2023-01-05. Review status: criteria provided, single submitter. Criteria: ACMG Guidelines, 2015. Collection method: clinical testing. Allele origin: germline.
Comment: The PHOX2B c.304C>T variant is predicted to result in the amino acid substitution p.Arg102Cys. This variant was apparently reported in an individual with a central hypoventilation syndrome (CCHS) phenotype (Supplemental Table 1, Zhou et al 2021. PubMed ID: 33958749). A different variant impacting the same amino acid residue (p.Arg102Ser) has been reported to occur de novo in an at least one individual with a mild CCHS phenotype (Supplemental Table 1, Zhou et al 2021. PubMed ID: 33958749; Katwa et al. 2018. PubMed ID: 29704303). This variant has not been reported in a large population database, indicating this variant is rare. Although we suspect that the c.304C>T (p.Arg102Cys) variant may be pathogenic, at this time, the clinical significance of this variant is uncertain due to the absence of conclusive functional and genetic evidence.

Clinical Genetics DNA and cytogenetics Diagnostics Lab, Erasmus MC, Erasmus Medical Center
Classification: Uncertain significance. Review status: no assertion criteria provided. Collection method: clinical testing. Allele origin: germline. Affected: yes. Study: VKGL Data-share Consensus. Not counted in ClinVar's aggregate classification.

Diagnostic Laboratory, Department of Genetics, University Medical Center Groningen
Classification: Uncertain significance. Review status: no assertion criteria provided. Collection method: clinical testing. Allele origin: germline. Affected: yes. Study: VKGL Data-share Consensus. Not counted in ClinVar's aggregate classification.

NM_003924.4(PHOX2B):c.304C>T (p.Arg102Cys)

Gene: PHOX2B (paired like homeobox 2B; minus strand). Cytogenetic location: 4p13.
Variant type: single nucleotide variant.
Coding change: c.304C>T on transcript NM_003924.4 (MANE Select); coding-DNA position 304, C replaced by T.
Protein change: p.Arg102Cys; replaces arginine 102 with cysteine.
Molecular consequence: missense variant.
Genome position (GRCh38, 1-based): chr4:41,747,474, G>A on the plus strand (C>T on the coding strand, the complement: PHOX2B is on the minus strand). VCF-style: chr4-41747474-G-A. GRCh37 (hg19) VCF-style: chr4-41749491-G-A.
Other names: short protein forms R102C.
Identifiers: ClinVar variation 1299866 (VCV001299866.5), dbSNP rs2153112943, ClinGen allele CA356740376.